The following is an entry in ClinVar:

NM_016038.4(SBDS):c.321G>C (p.Met107Ile)

Gene: SBDS (SBDS ribosome maturation factor; minus strand). Cytogenetic location: 7q11.21.
Variant type: single nucleotide variant.
Coding change: c.321G>C on transcript NM_016038.4 (MANE Select); coding-DNA position 321, G replaced by C.
Protein change: p.Met107Ile; replaces methionine 107 with isoleucine.
Molecular consequence: missense variant.
Genome position (GRCh38, 1-based): chr7:66,993,355, C>G on the plus strand (G>C on the coding strand, the complement: SBDS is on the minus strand). VCF-style: chr7-66993355-C-G. GRCh37 (hg19) VCF-style: chr7-66458342-C-G.
Other names: short protein forms M107I.
Identifiers: ClinVar variation 3792753 (VCV003792753.1).

ClinVar aggregate classification (germline): Uncertain significance (1 of 4 stars; one submission).

Conditions:
Inborn genetic diseases. Identifiers: MedGen C0950123, MeSH D030342.

Submission:

Ambry Genetics
Classification: Uncertain significance for Inborn genetic diseases. Last evaluated: 2025-03-02. Review status: criteria provided, single submitter. Criteria: Ambry Variant Classification Scheme 2023. Collection method: clinical testing. Allele origin: germline.
Comment: The p.M107I variant (also known as c.321G>C), located in coding exon 3 of the SBDS gene, results from a G to C substitution at nucleotide position 321. The methionine at codon 107 is replaced by isoleucine, an amino acid with highly similar properties. This amino acid position is conserved. In addition, the in silico prediction for this alteration is inconclusive. Based on the available evidence, the clinical significance of this variant remains unclear.